The following is an entry in ClinVar:

NM_004977.3(KCNC3):c.763_773del (p.Gly255fs)

Genes: KCNC3 (potassium voltage-gated channel subfamily C member 3; minus strand), LOC130064972 (ATAC-STARR-seq lymphoblastoid silent region 10954; plus strand). Cytogenetic location: 19q13.33.
Variant type: Deletion.
Coding change: c.763_773del on transcript NM_004977.3 (MANE Select); coding-DNA positions 763 to 773, 11 bases deleted (GGGGGGCCGCC).
Protein change: p.Gly255fs; shifts the reading frame from glycine 255.
Molecular consequence: frameshift variant.
Genome position (GRCh38, 1-based): chr19:50,328,310-50,328,320, GGCGGCCCCCC deleted on the plus strand (GGGGGGCCGCC on the coding strand, the reverse complement: KCNC3 is on the minus strand); deleting any 11 consecutive bases within chr19:50,328,310-50,328,324 gives the same sequence; the c. name uses the placement nearest the transcript's 3' end. VCF-style (leftmost placement, unchanged base first): chr19-50328309-TGGCGGCCCCCC-T. GRCh37 (hg19) VCF-style: chr19-50831566-TGGCGGCCCCCC-T.
Other names: c.535_545del, p.Gly179fs (NM_001372305.1); short protein forms G179fs, G255fs.
Identifiers: ClinVar variation 3633244 (VCV003633244.2).
Genomic context (GRCh38, chr19:50,328,309, plus strand): 5'-CGCCCACACGCGGGGCTGCCAGCGGCGCCACCATGTGCCGCCCGCGCCGCCCGCGCCCCC[TGGCGGCCCCCC>T]GGCGCCGCCGCCCGCGTCCTGGAAGCAGAGGCGCTTGAGCTCGCCGCCCGCTCCGTCCAG-3'

ClinVar aggregate classification (germline): Uncertain significance (1 of 4 stars; one submission).

Submission:

Labcorp Genetics (formerly Invitae), Labcorp
Classification: Uncertain significance. Last evaluated: 2024-03-30. Review status: criteria provided, single submitter. Criteria: Invitae Variant Classification Sherloc (09022015). Collection method: clinical testing. Allele origin: germline.
Comment: This sequence change creates a premature translational stop signal (p.Gly255Argfs*55) in the KCNC3 gene. It is expected to result in an absent or disrupted protein product. However, the current clinical and genetic evidence is not sufficient to establish whether loss-of-function variants in KCNC3 cause disease. The frequency data for this variant in the population databases is considered unreliable, as metrics indicate insufficient coverage at this position in the gnomAD database. This variant has not been reported in the literature in individuals affected with KCNC3-related conditions. In summary, the available evidence is currently insufficient to determine the role of this variant in disease. Therefore, it has been classified as a Variant of Uncertain Significance.